The following is an entry in ClinVar:

NM_004304.5(ALK):c.2545T>C (p.Tyr849His)

Gene: ALK (ALK receptor tyrosine kinase; minus strand). Cytogenetic location: 2p23.2.
Variant type: single nucleotide variant.
Coding change: c.2545T>C on transcript NM_004304.5 (MANE Select); coding-DNA position 2545, T replaced by C.
Protein change: p.Tyr849His; replaces tyrosine 849 with histidine.
Molecular consequence: missense variant.
Genome position (GRCh38, 1-based): chr2:29,232,391, A>G on the plus strand (T>C on the coding strand, the complement: ALK is on the minus strand). VCF-style: chr2-29232391-A-G. GRCh37 (hg19) VCF-style: chr2-29455257-A-G.
Other names: short protein forms Y849H.
Identifiers: ClinVar variation 3525156 (VCV003525156.1).

ClinVar aggregate classification (germline): Uncertain significance (1 of 4 stars; one submission).

Conditions:
Hereditary cancer-predisposing syndrome. Also called: Hereditary Cancer Syndrome; Hereditary neoplastic syndrome; Tumor predisposition; Neoplastic Syndromes, Hereditary. Identifiers: Orphanet 140162, MedGen C0027672, MeSH D009386, MONDO:0015356.

gnomAD v4.1: 1 of 1,614,140 alleles (0.000062%); highest among the groups gnomAD compares: Admixed American, 0.0017%; no homozygotes.

Submission:

Ambry Genetics
Classification: Uncertain significance for Hereditary cancer-predisposing syndrome. Last evaluated: 2024-11-16. Review status: criteria provided, single submitter. Criteria: Ambry Variant Classification Scheme 2023. Collection method: clinical testing. Allele origin: germline.
Comment: The p.Y849H variant (also known as c.2545T>C), located in coding exon 15 of the ALK gene, results from a T to C substitution at nucleotide position 2545. The tyrosine at codon 849 is replaced by histidine, an amino acid with similar properties. This amino acid position is conserved. In addition, the in silico prediction for this alteration is inconclusive. Based on the available evidence, the clinical significance of this variant remains unclear.